The following is an entry in ClinVar:

NM_000275.3(OCA2):c.1183-4A>G

Gene: OCA2 (OCA2 melanosomal transmembrane protein; minus strand). Cytogenetic location: 15q13.1.
Variant type: single nucleotide variant.
Coding change: c.1183-4A>G on transcript NM_000275.3 (MANE Select); 4 bases into the intron before coding-DNA position 1183, A replaced by G.
Molecular consequence: intron variant.
Genome position (GRCh38, 1-based): chr15:27,986,647, T>C on the plus strand (A>G on the coding strand, the complement: OCA2 is on the minus strand). VCF-style: chr15-27986647-T-C. GRCh37 (hg19) VCF-style: chr15-28231793-T-C.
Other names: c.1111-4A>G (NM_001300984.2).
Identifiers: ClinVar variation 193986 (VCV000193986.24), dbSNP rs10852218, ClinGen allele CA200892.

ClinVar aggregate classification (germline): Benign/Likely benign. Review status: criteria provided, multiple submitters, no conflicts (2 of 4 stars). 9 submissions from 9 submitters: Benign (8); Likely benign (1). Last evaluated 2026-02-04.

Conditions:
Tyrosinase-positive oculocutaneous albinism (OCA2). Also called: Oculocutaneous albinism type 2; ALBINISM II; Albinism, oculocutaneous, type II. Identifiers: Orphanet 79432, MedGen C0268495, MONDO:0008746, OMIM 203200.

Allele frequency attached by ClinVar (database versions not stated): 1000 Genomes Project 30x 0.68738; 1000 Genomes Project 0.69329; TOPMed 0.70372; ESP Exome Variant Server 0.70913; gnomAD 0.71746 and 0.71923; ExAC 0.77933; gnomAD exomes 0.78235 and 0.80535.
gnomAD v4.1: 1,235,863 of 1,552,170 alleles (80%); highest among the groups gnomAD compares: East Asian, 100%; 500,432 homozygotes.

Submissions (9):

Labcorp Genetics (formerly Invitae), Labcorp
Classification: Benign. Last evaluated: 2026-02-04. Review status: criteria provided, single submitter. Criteria: Invitae Variant Classification Sherloc (09022015). Collection method: clinical testing. Allele origin: germline.

Women's Health and Genetics/Laboratory Corporation of America, LabCorp
Classification: Benign. Last evaluated: 2025-06-20. Review status: criteria provided, single submitter. Criteria: LabCorp Variant Classification Summary - May 2015. Collection method: clinical testing. Allele origin: germline.

Blueprint Genetics
Classification: Likely benign. Last evaluated: 2024-11-28. Review status: criteria provided, single submitter. Criteria: ACMG Guidelines, 2015. Collection method: clinical testing. Allele origin: germline.

Genome-Nilou Lab
Classification: Benign for Tyrosinase-positive oculocutaneous albinism. Last evaluated: 2021-09-05. Review status: criteria provided, single submitter. Criteria: ACMG Guidelines, 2015. Collection method: clinical testing. Allele origin: germline. Affected: no.

GeneDx
Classification: Benign. Last evaluated: 2018-11-12. Review status: criteria provided, single submitter. Criteria: GeneDx Variant Classification Process June 2021. Collection method: clinical testing. Allele origin: germline. Affected: yes.

Illumina Laboratory Services, Illumina
Classification: Benign for Tyrosinase-positive oculocutaneous albinism. Last evaluated: 2018-01-13. Review status: criteria provided, single submitter. Criteria: ICSL Variant Classification Criteria 13 December 2019. Collection method: clinical testing. Allele origin: germline.
Comment: This variant was observed in the ICSL laboratory as part of a predisposition screen in an ostensibly healthy population. It had not been previously curated by ICSL or reported in the Human Gene Mutation Database (HGMD: prior to June 1st, 2018), and was therefore a candidate for classification through an automated scoring system. Utilizing variant allele frequency, disease prevalence and penetrance estimates, and inheritance mode, an automated score was calculated to assess if this variant is too frequent to cause the disease. Based on the score and internal cut-off values, a variant classified as benign is not then subjected to further curation. The score for this variant resulted in a classification of benign for this disease.

Eurofins Ntd Llc (ga)
Classification: Benign. Last evaluated: 2014-11-07. Review status: criteria provided, single submitter. Criteria: EGL Classification Definitions 2015. Collection method: clinical testing. Allele origin: germline. Observed: 6 variant alleles, 2 heterozygotes, 4 homozygotes.

Breakthrough Genomics
Classification: Benign. Review status: criteria provided, single submitter. Criteria: ACMG Guidelines, 2015. Collection method: not provided. Allele origin: germline. Inheritance: Autosomal recessive inheritance. Affected: yes.

PreventionGenetics, part of Exact Sciences
Classification: Benign. Review status: criteria provided, single submitter. Criteria: ACMG Guidelines, 2015. Collection method: clinical testing. Allele origin: germline.